The following is an entry in ClinVar:

NM_020223.4(FAM20C):c.1135G>A (p.Gly379Arg)

Gene: FAM20C (FAM20C golgi associated secretory pathway kinase; plus strand). Cytogenetic location: 7p22.3.
Variant type: single nucleotide variant.
Coding change: c.1135G>A on transcript NM_020223.4 (MANE Select); coding-DNA position 1135, G replaced by A.
Protein change: p.Gly379Arg; replaces glycine 379 with arginine.
Molecular consequence: missense variant.
Genome position (GRCh38, 1-based): chr7:255,911, G>A. VCF-style: chr7-255911-G-A. GRCh37 (hg19) VCF-style: chr7-295877-G-A.
Other names: c.1135G>A (NM_020223.3); short protein forms G379R.
Identifiers: ClinVar variation 2136493 (VCV002136493.5), dbSNP rs2534735106, ClinGen allele CA366525187.

ClinVar aggregate classification (germline): Pathogenic/Likely pathogenic. Review status: criteria provided, multiple submitters, no conflicts (2 of 4 stars). 2 submissions from 2 submitters: Pathogenic (1); Likely pathogenic (1). Last evaluated 2023-03-25.

Conditions:
FAM20C-related disorder. Also called: FAM20C-related condition.

Allele frequency attached by ClinVar (database versions not stated): gnomAD exomes below 0.00001.
gnomAD v4.1: 2 of 1,536,464 alleles (0.00013%); highest among the groups gnomAD compares: East Asian, 0.0024%; no homozygotes.

Submissions (2):

PreventionGenetics, part of Exact Sciences
Classification: Likely pathogenic for FAM20C-related condition. Last evaluated: 2023-03-25. Review status: criteria provided, single submitter. Criteria: ACMG Guidelines, 2015. Collection method: clinical testing. Allele origin: germline.
Comment: The FAM20C c.1135G>A variant is predicted to result in the amino acid substitution p.Gly379Arg. This variant has been reported in multiple individuals with Raine syndrome (Mameli C et al 2020. PubMed ID: 32299476, Table 3; Simpson et al 2007. PubMed ID: 17924334, reported as c.1093G>A, p. Gly365Arg in Table 1). A different missense variant affecting the same amino acid has also been reported in a patient with Raine syndrome (Simpson et al 2007. PubMed ID: 17924334, reported as c.1094G>A, p. Gly365Glu in Table 1). Another study reported functional evidence that this variant may cause Raine syndrome by affecting Fam20C kinase activity and secretion (Tagliabracci VS et al 2012. PubMed ID: 22582013, reported as Gly365Arg in Figure 4). This variant has not been reported in a large population database, indicating this variant is rare. This variant is interpreted as likely pathogenic.

Labcorp Genetics (formerly Invitae), Labcorp
Classification: Pathogenic. Last evaluated: 2022-05-20. Review status: criteria provided, single submitter. Criteria: Invitae Variant Classification Sherloc (09022015). Collection method: clinical testing. Allele origin: germline.
Comment: This sequence change replaces glycine, which is neutral and non-polar, with arginine, which is basic and polar, at codon 379 of the FAM20C protein (p.Gly379Arg). This variant is not present in population databases (gnomAD no frequency). This missense change has been observed in individual(s) with clinical features of Raine syndrome (PMID: 17924334, 32299476; Invitae). In at least one individual the data is consistent with being in trans (on the opposite chromosome) from a pathogenic variant. This variant is also known as 1093G>A (Gly365Arg). Algorithms developed to predict the effect of missense changes on protein structure and function (SIFT, PolyPhen-2, Align-GVGD) all suggest that this variant is likely to be disruptive. Experimental studies have shown that this missense change affects FAM20C function (PMID: 22582013). This variant disrupts the p.Gly379 amino acid residue in FAM20C. Other variant(s) that disrupt this residue have been observed in individuals with FAM20C-related conditions (PMID: 17924334), which suggests that this may be a clinically significant amino acid residue. For these reasons, this variant has been classified as Pathogenic.

Literature cited by the submitters: PubMed 17924334 (cited by Labcorp Genetics (formerly Invitae), Labcorp); PubMed 32299476 (cited by Labcorp Genetics (formerly Invitae), Labcorp); PubMed 22582013 (cited by Labcorp Genetics (formerly Invitae), Labcorp).